The following is an entry in ClinVar:

NM_000070.3(CAPN3):c.1381C>T (p.Arg461Cys)

Genes: CAPN3 (calpain 3; plus strand), LOC130056921 (ATAC-STARR-seq lymphoblastoid active region 9300; plus strand). Cytogenetic location: 15q15.1.
Variant type: single nucleotide variant.
Coding change: c.1381C>T on transcript NM_000070.3 (MANE Select); coding-DNA position 1381, C replaced by T.
Protein change: p.Arg461Cys; replaces arginine 461 with cysteine.
Molecular consequence: missense variant.
Genome position (GRCh38, 1-based): chr15:42,401,667, C>T. VCF-style: chr15-42401667-C-T. GRCh37 (hg19) VCF-style: chr15-42693865-C-T.
Other names: c.1381C>T, p.Arg461Cys (NM_024344.2); c.1237C>T, p.Arg413Cys (NM_173087.2); short protein forms R461C, R413C.
Identifiers: ClinVar variation 501440 (VCV000501440.37), dbSNP rs1274808359, ClinGen allele CA391999721.
Genomic context (GRCh38, chr15:42,401,667, plus strand): 5'-GCTGTGAATGCGTGCTTCCTTTCTGGGGGTGCAGATACTTTCTGGACCAACCCTCAGTAC[C>T]GTCTGAAGCTCCTGGAGGAGGACGATGACCCTGATGACTCGGAGGTGATTTGCAGCTTCC-3'
Protein context (NP_000061.1, residues 451-471): PDTFWTNPQY[Arg461Cys]LKLLEEDDDP

ClinVar aggregate classification (germline): Pathogenic/Likely pathogenic. Review status: criteria provided, multiple submitters, no conflicts (2 of 4 stars). 11 submissions from 11 submitters: Pathogenic (7); Likely pathogenic (3). 1 of the submissions does not count toward it. Last evaluated 2025-04-17.

Conditions:
Muscular dystrophy, limb-girdle, autosomal dominant 4. Also called: Calpain-3-related limb-girdle muscular dystrophy D4; MUSCULAR DYSTROPHY, LIMB-GIRDLE, TYPE 1I. Identifiers: Orphanet 565909, MedGen C4748295, MONDO:0029133, OMIM 618129.
Autosomal recessive limb-girdle muscular dystrophy type 2A (LGMDR1). Also called: Calpainopathy; LEYDEN-MOEBIUS MUSCULAR DYSTROPHY; MUSCULAR DYSTROPHY, PELVOFEMORAL; Muscular dystrophy, limb-girdle, type 2A, Amish; Limb-girdle muscular dystrophy, type 2A. Identifiers: Orphanet 267, MedGen C1869123, MONDO:0009675, OMIM 253600. Disease mechanism: loss of function.
Autosomal recessive limb-girdle muscular dystrophy. Identifiers: Orphanet 102015, MedGen C2931907, MONDO:0015152.

Allele frequency attached by ClinVar (database versions not stated): gnomAD 0.00001; gnomAD exomes 0.00001 and 0.00002; TOPMed 0.00001.
gnomAD v4.1: 26 of 1,614,024 alleles (0.0016%); highest among the groups gnomAD compares: East Asian, 0.042%; no homozygotes.

Submissions (11):

Labcorp Genetics (formerly Invitae), Labcorp
Classification: Pathogenic for Autosomal recessive limb-girdle muscular dystrophy type 2A. Last evaluated: 2025-04-17. Review status: criteria provided, single submitter. Criteria: Invitae Variant Classification Sherloc (09022015). Collection method: clinical testing. Allele origin: germline.
Comment: This sequence change replaces arginine, which is basic and polar, with cysteine, which is neutral and slightly polar, at codon 461 of the CAPN3 protein (p.Arg461Cys). This variant is present in population databases (no rsID available, gnomAD 0.006%). This missense change has been observed in individual(s) with autosomal recessive limb-girdle muscular dystrophy (PMID: 10567047, 11525884, 18337726). In at least one individual the data is consistent with being in trans (on the opposite chromosome) from a pathogenic variant. ClinVar contains an entry for this variant (Variation ID: 501440). Invitae Evidence Modeling of protein sequence and biophysical properties (such as structural, functional, and spatial information, amino acid conservation, physicochemical variation, residue mobility, and thermodynamic stability) has been performed for this missense variant. However, the output from this modeling did not meet the statistical confidence thresholds required to predict the impact of this variant on CAPN3 protein function. For these reasons, this variant has been classified as Pathogenic.

CeGaT Center for Human Genetics Tuebingen
Classification: Likely pathogenic. Last evaluated: 2024-11-01. Review status: criteria provided, single submitter. Criteria: CeGaT Center For Human Genetics Tuebingen Variant Classification Criteria Version 2. Collection method: clinical testing. Allele origin: germline. Affected: yes. Observed: 1 variant allele.
Comment: CAPN3: PM3:Strong, PM2, PP3

Natera, Inc.
Classification: Pathogenic for Limb-girdle muscular dystrophy type 2A. Last evaluated: 2024-06-24. Review status: criteria provided, single submitter. Criteria: Natera Variant Classification Schema (03/2026). Collection method: clinical testing. Allele origin: germline.
Comment: The c.1381C>T variant in CAPN3 is a missense variant predicted to cause substitution of arginine to cysteine at amino acid 461. This variant is rare in the general population with a frequency below the threshold expected for the associated phenotype(s). This variant has been observed in one or more individuals affected with the associated recessive disease, as either homozygous or compound heterozygous with a second variant (PMID: 10567047). Computational prediction algorithms indicate this variant is likely to affect gene or protein function. Given the available evidence, this variant is classified as Pathogenic.

Kariminejad - Najmabadi Pathology & Genetics Center
Classification: Pathogenic for Muscular dystrophy, limb-girdle, autosomal dominant 4. Last evaluated: 2024-05-11. Review status: criteria provided, single submitter. Criteria: ACMG Guidelines, 2015. Collection method: clinical testing. Allele origin: germline. Inheritance: Autosomal dominant inheritance. Affected: yes.
Comment: (PM3, PM2, PM1, PP3, PP2, PP5)

Fulgent Genetics
Classification: Pathogenic for Autosomal recessive limb-girdle muscular dystrophy type 2A; Muscular dystrophy, limb-girdle, autosomal dominant 4. Last evaluated: 2024-04-10. Review status: criteria provided, single submitter. Criteria: ACMG Guidelines, 2015. Collection method: clinical testing. Allele origin: germline.

Baylor Genetics
Classification: Pathogenic for Muscular dystrophy, limb-girdle, autosomal dominant 4. Last evaluated: 2024-03-29. Review status: criteria provided, single submitter. Criteria: ACMG Guidelines, 2015. Collection method: clinical testing. Allele origin: unknown.

Revvity Omics, Revvity
Classification: Likely pathogenic. Last evaluated: 2023-05-23. Review status: criteria provided, single submitter. Criteria: ACMG Guidelines, 2015. Collection method: clinical testing. Allele origin: germline.

Women's Health and Genetics/Laboratory Corporation of America, LabCorp
Classification: Pathogenic for Autosomal recessive limb-girdle muscular dystrophy. Last evaluated: 2023-05-18. Review status: criteria provided, single submitter. Criteria: LabCorp Variant Classification Summary - May 2015. Collection method: clinical testing. Allele origin: germline.
Comment: Variant summary: CAPN3 c.1381C>T (p.Arg461Cys) results in a non-conservative amino acid change located in the Peptidase C2, large subunit, domain III (IPR022682) of the encoded protein sequence. Five of five in-silico tools predict a damaging effect of the variant on protein function. The variant allele was found at a frequency of 1.2e-05 in 251432 control chromosomes (gnomAD). c.1381C>T has been reported in the literature in multiple individuals affected with Limb-Girdle Muscular Dystrophy, Autosomal Recessive (examples: Chae_2011 and Duno_2008). These data indicate that the variant is very likely to be associated with disease. The following publications have been ascertained in the context of this evaluation (PMID: 11525884, 18337726). Five clinical diagnostic laboratories have submitted clinical-significance assessments for this variant to ClinVar after 2014 and all classified the variant as pathogenic/likely pathogenic. Based on the evidence outlined above, the variant was classified as pathogenic.

Broad Center for Mendelian Genomics, Broad Institute of MIT and Harvard
Classification: Likely pathogenic for Autosomal recessive limb-girdle muscular dystrophy type 2A. Last evaluated: 2018-06-15. Review status: criteria provided, single submitter. Criteria: ACMG Guidelines, 2015. Collection method: research. Allele origin: germline. Inheritance: Autosomal recessive inheritance. Affected: yes.
Comment: This variant has been identified in the literature in four homozygous probands and one proband that was compound heterozygous for the p.Arg461Cys variant as well as the c.801+1G>A variant (Minami et al. 1999, PMID: 10567047; Chae et al. 2001, PMID: 11525884). This variant has been identified in <0.01% (1/17240) of East Asian chromosomes by the Genome Aggregation Database (gnomAD). The Arginine (Arg) at position 461 is highly conserved in mammals and evolutionarily distant species, supporting that a change at this position may not be tolerated. Computational prediction tools suggest that this variant may impact the protein, though this information is not predictive enough to determine pathogenicity. This variant is also located in a mutational hotspot in a gene that does not have many benign missense mutations. In summary, although additional studies are required to fully establish its pathogenicity, this variant is likely pathogenic.

Eurofins Ntd Llc (ga)
Classification: Pathogenic. Last evaluated: 2017-04-20. Review status: criteria provided, single submitter. Criteria: EGL Classification Definitions 2015. Collection method: clinical testing. Allele origin: germline. Observed: 1 variant allele, 1 heterozygote.

Counsyl
Classification: Likely pathogenic for Autosomal recessive limb-girdle muscular dystrophy type 2A. Last evaluated: 2017-10-09. Review status: no assertion criteria provided. Collection method: clinical testing. Allele origin: unknown. Not counted in ClinVar's aggregate classification.

Literature cited by the submitters: PubMed 10567047 (cited by Labcorp Genetics (formerly Invitae), Labcorp and Natera, Inc.); PubMed 11525884 (cited by 3 submitters); PubMed 18337726 (cited by 3 submitters); PubMed 26404900 (cited by Counsyl); PubMed 26060040 (cited by Counsyl); PubMed 27066573 (cited by Counsyl).